The following is an entry in ClinVar:

ClinVar aggregate classification (germline): Likely benign (1 of 4 stars; one submission).

Allele frequency attached by ClinVar (database versions not stated): ExAC 0.00022; gnomAD 0.00877.

Submission:

CeGaT Center for Human Genetics Tuebingen
Classification: Likely benign. Last evaluated: 2023-08-01. Review status: criteria provided, single submitter. Criteria: CeGaT Center For Human Genetics Tuebingen Variant Classification Criteria Version 2. Collection method: clinical testing. Allele origin: germline. Affected: yes. Observed: 1 variant allele.
Comment: CRYBG2: BP4, BP7

NM_001039775.4(CRYBG2):c.1626T>C (p.Phe542=)

Gene: CRYBG2 (crystallin beta-gamma domain containing 2; minus strand). Cytogenetic location: 1p36.11.
Variant type: single nucleotide variant.
Coding change: c.1626T>C on transcript NM_001039775.4 (MANE Select); coding-DNA position 1626, T replaced by C.
Protein change: p.Phe542=; no amino-acid change (phenylalanine 542 retained).
Molecular consequence: synonymous variant.
Genome position (GRCh38, 1-based): chr1:26,345,032, A>G on the plus strand (T>C on the coding strand, the complement: CRYBG2 is on the minus strand). VCF-style: chr1-26345032-A-G. GRCh37 (hg19) VCF-style: chr1-26671523-A-G.
Identifiers: ClinVar variation 2638515 (VCV002638515.24), dbSNP rs11579831, ClinGen allele CA704199.